The following is an entry in ClinVar:

NM_001035.3(RYR2):c.8713A>G (p.Arg2905Gly)

Gene: RYR2 (ryanodine receptor 2; plus strand). Cytogenetic location: 1q43.
Variant type: single nucleotide variant.
Coding change: c.8713A>G on transcript NM_001035.3 (MANE Select); coding-DNA position 8713, A replaced by G.
Protein change: p.Arg2905Gly; replaces arginine 2905 with glycine.
Molecular consequence: missense variant.
Genome position (GRCh38, 1-based): chr1:237,674,218, A>G. VCF-style: chr1-237674218-A-G. GRCh37 (hg19) VCF-style: chr1-237837518-A-G.
Other names: short protein forms R2905G.
Identifiers: ClinVar variation 2024140 (VCV002024140.4), dbSNP rs2547214108, ClinGen allele CA345403173.
Genomic context (GRCh38, chr1:237,674,218, plus strand): 5'-GATAGAGAAAAAGCACAGGACATCCTCAAGTTCTTGCAGATCAATGGATATGCTGTATCC[A>G]GGTAAAAGTACACATACCCTAAGTACACACTCTTTTCACAAGAGTGAATATTTAAATATC-3'
Protein context (NP_001026.2, residues 2895-2915): FLQINGYAVS[Arg2905Gly]GFKDLELDTP

ClinVar aggregate classification (germline): Uncertain significance (1 of 4 stars; one submission).

Conditions:
Catecholaminergic polymorphic ventricular tachycardia 1. Also called: VENTRICULAR TACHYCARDIA, CATECHOLAMINERGIC POLYMORPHIC, 1, WITH OR WITHOUT ATRIAL DYSFUNCTION AND/OR DILATED CARDIOMYOPATHY; RYR2-Related Catecholaminergic Polymorphic Ventricular Tachycardia; VENTRICULAR TACHYCARDIA, STRESS-INDUCED POLYMORPHIC 1. Identifiers: Orphanet 3286, MedGen C1631597, MONDO:0011484, OMIM 604772.

gnomAD v4.1: 1 of 1,609,572 alleles (0.000062%); highest among the groups gnomAD compares: Admixed American, 0.0017%; no homozygotes.

Submission:

Labcorp Genetics (formerly Invitae), Labcorp
Classification: Uncertain significance for Catecholaminergic polymorphic ventricular tachycardia 1. Last evaluated: 2022-06-09. Review status: criteria provided, single submitter. Criteria: Invitae Variant Classification Sherloc (09022015). Collection method: clinical testing. Allele origin: germline.
Comment: In summary, the available evidence is currently insufficient to determine the role of this variant in disease. Therefore, it has been classified as a Variant of Uncertain Significance. Algorithms developed to predict the effect of sequence changes on RNA splicing suggest that this variant may disrupt the consensus splice site. Algorithms developed to predict the effect of missense changes on protein structure and function (SIFT, PolyPhen-2, Align-GVGD) all suggest that this variant is likely to be disruptive. This variant has not been reported in the literature in individuals affected with RYR2-related conditions. This variant is not present in population databases (gnomAD no frequency). This sequence change replaces arginine, which is basic and polar, with glycine, which is neutral and non-polar, at codon 2905 of the RYR2 protein (p.Arg2905Gly).